The following is an entry in ClinVar:

NM_015450.3(POT1):c.1483C>G (p.Gln495Glu)

Gene: POT1 (protection of telomeres 1; minus strand). Cytogenetic location: 7q31.33.
Variant type: single nucleotide variant.
Coding change: c.1483C>G on transcript NM_015450.3 (MANE Select); coding-DNA position 1483, C replaced by G.
Protein change: p.Gln495Glu; replaces glutamine 495 with glutamic acid.
Molecular consequence: missense variant. On other transcripts: non-coding transcript variant (3).
Genome position (GRCh38, 1-based): chr7:124,835,301, G>C on the plus strand (C>G on the coding strand, the complement: POT1 is on the minus strand). VCF-style: chr7-124835301-G-C. GRCh37 (hg19) VCF-style: chr7-124475355-G-C.
Other names: c.1090C>G, p.Gln364Glu (NM_001042594.2); short protein forms Q364E, Q495E.
Identifiers: ClinVar variation 3667369 (VCV003667369.2).

ClinVar aggregate classification (germline): Uncertain significance (1 of 4 stars; one submission).

Conditions:
Tumor predisposition syndrome 3 (TPDS3). Also called: Glioma susceptibility 9; LONG TELOMERE SYNDROME, POT1-RELATED; POT1 Tumor Predisposition; Melanoma, cutaneous malignant, susceptibility to, 10. Identifiers: Orphanet 618, MedGen C4014476, MONDO:0014368, OMIM 615848.

Submission:

Labcorp Genetics (formerly Invitae), Labcorp
Classification: Uncertain significance for Tumor predisposition syndrome 3. Last evaluated: 2024-12-05. Review status: criteria provided, single submitter. Criteria: Invitae Variant Classification Sherloc (09022015). Collection method: clinical testing. Allele origin: germline.
Comment: This sequence change replaces glutamine, which is neutral and polar, with glutamic acid, which is acidic and polar, at codon 495 of the POT1 protein (p.Gln495Glu). This variant is not present in population databases (gnomAD no frequency). This variant has not been reported in the literature in individuals affected with POT1-related conditions. Invitae Evidence Modeling of protein sequence and biophysical properties (such as structural, functional, and spatial information, amino acid conservation, physicochemical variation, residue mobility, and thermodynamic stability) indicates that this missense variant is not expected to disrupt POT1 protein function with a negative predictive value of 80%. In summary, the available evidence is currently insufficient to determine the role of this variant in disease. Therefore, it has been classified as a Variant of Uncertain Significance.